The following is an entry in ClinVar:

NM_020911.2(PLXNA4):c.4980C>T (p.His1660=)

Gene: PLXNA4 (plexin A4; minus strand). Cytogenetic location: 7q32.3.
Variant type: single nucleotide variant.
Coding change: c.4980C>T on transcript NM_020911.2 (MANE Select); coding-DNA position 4980, C replaced by T.
Protein change: p.His1660=; no amino-acid change (histidine 1660 retained).
Molecular consequence: synonymous variant.
Genome position (GRCh38, 1-based): chr7:132,146,585, G>A on the plus strand (C>T on the coding strand, the complement: PLXNA4 is on the minus strand). VCF-style: chr7-132146585-G-A. GRCh37 (hg19) VCF-style: chr7-131831344-G-A.
Other names: c.4980C>T, p.His1660= (NM_001393897.1).
Identifiers: ClinVar variation 3031618 (VCV003031618.2), dbSNP rs776632659, ClinGen allele CA4489025.

ClinVar aggregate classification (germline): Likely benign (0 of 4 stars; one submission).

Conditions:
PLXNA4-related disorder. Also called: PLXNA4-related condition.

Allele frequency attached by ClinVar (database versions not stated): gnomAD 0.00005; ExAC 0.00007; TOPMed 0.00007; gnomAD exomes 0.00009.
gnomAD v4.1: 132 of 1,613,976 alleles (0.0082%); highest among the groups gnomAD compares: Non-Finnish European, 0.0098%; no homozygotes.

Submission:

PreventionGenetics, part of Exact Sciences
Classification: Likely benign for PLXNA4-related condition. Last evaluated: 2022-02-03. Review status: no assertion criteria provided. Collection method: clinical testing. Allele origin: germline.
Comment: This variant is classified as likely benign based on ACMG/AMP sequence variant interpretation guidelines (Richards et al. 2015 PMID: 25741868, with internal and published modifications).